The following is an entry in ClinVar:

ClinVar aggregate classification (germline): Likely pathogenic (1 of 4 stars; one submission).

Conditions:
Pelizaeus-Merzbacher disease. Also called: Pelizeaus-Merzbacher spectrum disorder; Sudanophilic leukodystrophy; Pelizaeus-Merzbacher spectrum disorder; Pelizaeus-Merzbacher Disease (PMD); LEUKODYSTROPHY, HYPOMYELINATING, 1. Identifiers: Orphanet 702, MedGen C0205711, MONDO:0010714, OMIM 312080, HP:0003269.

Submission:

Victorian Clinical Genetics Services, Murdoch Childrens Research Institute
Classification: Likely pathogenic for Pelizaeus-Merzbacher disease. Last evaluated: 2022-03-31. Review status: criteria provided, single submitter. Criteria: ACMG Guidelines, 2015. Collection method: clinical testing. Allele origin: germline. Inheritance: X-linked recessive inheritance. Affected: yes.
Comment: Based on the classification scheme VCGS_Germline_v1.3.4, this variant is classified as Likely pathogenic. Following criteria are met: 0102 - Loss of function is a known mechanism of disease in this gene and is associated with spastic paraplegia 2 (SP2) (MIM#312920). Gain of function has been speculated to be the mechanism of disease for missense variants that are associated with Pelizaeus-Merzbacher disease (PMD) (MIM#312080) (PMID: 28286750). (I) 0109 - This gene is associated with X-linked recessive disease. Additionally, some heterozygous females may manifest mild to moderate signs of the disease (PMID: 20301361). Variants associated with severe disease (PMD) in males rarely cause symptoms in heterozygous females, while null variants associated mild disease (SP2) in males are more likely to cause symptoms in females (PMIDs: 16778599, 20301361). (I) 0115 - Variants in this gene are known to have variable expressivity. PMD and SP2 are at different ends of the same clinical spectrum, and are known to have variable phenotypes. Heterozygous females are generally either unaffected or only mildly affected compared to their male family members with the same variant (OMIM, PMID: 16778599). (I) 0200 - Variant is predicted to result in a missense amino acid change from alanine to proline. (I) 0253 - This variant is hemizygous. (I) 0301 - Variant is absent from gnomAD (both v2 and v3). (SP) 0501 - Missense variant consistently predicted to be damaging by multiple in silico tools or highly conserved with a major amino acid change. (SP) 0603 - Missense variant in a region that is highly intolerant to missense variation (high constraint region in DECIPHER). (SP) 0705 - No comparable missense variants have previous evidence for pathogenicity. (I) 0803 - This variant has limited previous evidence of pathogenicity in an unrelated individual with Pelizaeus-Merzbacher disease (PMID: 15712223). (SP) 0905 - No published segregation evidence has been identified for this variant. (I) 1007 - No published functional evidence has been identified for this variant. (I) 1102 - Strong phenotype match for this individual. (I) Legend: (SP) - Supporting pathogenic, (I) - Information, (SB) - Supporting benign

Literature cited by the submitters: PubMed 15712223; PubMed 16778599; PubMed 20301361; PubMed 28286750.

NM_000533.5(PLP1):c.226G>C (p.Ala76Pro)

Genes: PLP1 (proteolipid protein 1; plus strand), RAB9B (RAB9B, member RAS oncogene family; minus strand). Cytogenetic location: Xq22.2.
Variant type: single nucleotide variant.
Coding change: c.226G>C on transcript NM_000533.5 (MANE Select); coding-DNA position 226, G replaced by C.
Protein change: p.Ala76Pro; replaces alanine 76 with proline.
Molecular consequence: missense variant.
Genome position (GRCh38, 1-based): chrX:103,786,499, G>C. VCF-style: chrX-103786499-G-C. GRCh37 (hg19) VCF-style: chrX-103041428-G-C.
Other names: c.226G>C, p.Ala76Pro (NM_001128834.3, NM_199478.3); c.61G>C, p.Ala21Pro (NM_001305004.1); short protein forms A21P, A76P.
Identifiers: ClinVar variation 1699073 (VCV001699073.3), dbSNP rs2147764222, ClinGen allele CA414102473.
Genomic context (GRCh38, chrX:103,786,499, plus strand): 5'-TCTCGTTTGTCTACCTGTTAATGCAGGATCCATGCCTTCCAGTATGTCATCTATGGAACT[G>C]CCTCTTTCTTCTTCCTTTATGGGGCCCTCCTGCTGGCTGAGGGCTTCTACACCACCGGCG-3'
Protein context (NP_000524.3, residues 66-86): HAFQYVIYGT[Ala76Pro]SFFFLYGALL